The following is an entry in ClinVar:

ClinVar aggregate classification (germline): Likely benign. Review status: criteria provided, single submitter (1 of 4 stars). 2 submissions from 2 submitters: Likely benign (1). 1 of the submissions does not count toward it. Last evaluated 2022-07-01.

Conditions:
MUC16-related disorder. Also called: MUC16-related condition.

Allele frequency attached by ClinVar (database versions not stated): 1000 Genomes Project 0.00160; 1000 Genomes Project 30x 0.00187; TOPMed 0.00246; ESP Exome Variant Server 0.00287; ExAC 0.00396.

Submissions (2):

CeGaT Center for Human Genetics Tuebingen
Classification: Likely benign. Last evaluated: 2022-07-01. Review status: criteria provided, single submitter. Criteria: CeGaT Center For Human Genetics Tuebingen Variant Classification Criteria Version 2. Collection method: clinical testing. Allele origin: germline. Affected: yes. Observed: 1 variant allele.
Comment: MUC16: BP4, BP7

PreventionGenetics, part of Exact Sciences
Classification: Benign for MUC16-related condition. Last evaluated: 2019-06-06. Review status: no assertion criteria provided. Collection method: clinical testing. Allele origin: germline. Not counted in ClinVar's aggregate classification.
Comment: This variant is classified as benign based on ACMG/AMP sequence variant interpretation guidelines (Richards et al. 2015 PMID: 25741868, with internal and published modifications).

NM_001401501.2(MUC16):c.36672G>C (p.Leu12224=)

Gene: MUC16 (mucin 16, cell surface associated; minus strand). Cytogenetic location: 19p13.2.
Variant type: single nucleotide variant.
Coding change: c.36672G>C on transcript NM_001401501.2 (MANE Select); coding-DNA position 36672, G replaced by C.
Protein change: p.Leu12224=; no amino-acid change (leucine 12224 retained).
Molecular consequence: synonymous variant.
Genome position (GRCh38, 1-based): chr19:8,917,630, C>G on the plus strand (G>C on the coding strand, the complement: MUC16 is on the minus strand). VCF-style: chr19-8917630-C-G. GRCh37 (hg19) VCF-style: chr19-9028306-C-G.
Other names: c.37098G>C, p.Leu12366= (NM_001414686.1); c.36552G>C, p.Leu12184= (NM_001414687.1); c.36486G>C, p.Leu12162= (NM_024690.2).
Identifiers: ClinVar variation 2649227 (VCV002649227.25), dbSNP rs117101489, ClinGen allele CA9165735.